The following is an entry in ClinVar:

NM_000138.5(FBN1):c.3838+2T>C

Gene: FBN1 (fibrillin 1; minus strand). Cytogenetic location: 15q21.1.
Variant type: single nucleotide variant.
Coding change: c.3838+2T>C on transcript NM_000138.5 (MANE Select); the canonical splice donor site of the intron after coding-DNA position 3838, T replaced by C.
Molecular consequence: splice donor variant.
Genome position (GRCh38, 1-based): chr15:48,483,816, A>G on the plus strand (T>C on the coding strand, the complement: FBN1 is on the minus strand). VCF-style: chr15-48483816-A-G. GRCh37 (hg19) VCF-style: chr15-48776013-A-G.
Other names: c.3838+2T>C (NM_001406716.1).
Identifiers: ClinVar variation 1735394 (VCV001735394.4), dbSNP rs2505540605, ClinGen allele CA392323511.
Genomic context (GRCh38, chr15:48,483,816, plus strand): 5'-TGTAATTTAACAGTGCTTATGACTAACAAGACAAGATGAAAAATTCTGTCTTCTTTGCTT[A>G]CCTACACAAGTCTTCATGTCTTCAGATGCCATGAATCCATCATAACACAAGCACCTGTAC-3'

ClinVar aggregate classification (germline): Pathogenic/Likely pathogenic. Review status: criteria provided, multiple submitters, no conflicts (2 of 4 stars). 3 submissions from 3 submitters: Pathogenic (1); Likely pathogenic (2). Last evaluated 2023-04-28.

Conditions:
Familial thoracic aortic aneurysm and aortic dissection (TAAD). Also called: Thoracic aortic aneurysms and dissections. Identifiers: Orphanet 91387, MedGen C4707243, MONDO:0019625.
Marfan syndrome (MFS). Also called: MARFAN SYNDROME, TYPE I; Marfan syndrome type 1; Marfan's syndrome; FBN1-Related Marfan Syndrome; Marfan syndrome, classic. Identifiers: Orphanet 284963, Orphanet 558, MedGen C0024796, MONDO:0007947, OMIM 154700.

Submissions (3):

All of Us Research Program, National Institutes of Health
Classification: Likely pathogenic for Marfan syndrome. Last evaluated: 2023-04-28. Review status: criteria provided, single submitter. Criteria: ACMG Guidelines, 2015. Collection method: clinical testing. Allele origin: germline. Inheritance: Autosomal dominant inheritance. Observed: 1 variant allele, 1 heterozygote.
Comment: This variant causes a T to C nucleotide substitution at the +2 position of intron 31 of the FBN1 gene. Splice site prediction tools predict that this variant may have a significant impact on RNA splicing. Although this prediction has not been confirmed in published RNA studies, this variant is expected to impair the function of FBN1 protein by disrupting the normal expression of exon 31. Multiple pathogenic missense variants have been reported in this exon (ClinVar), indicating the functional and clinical importance of the region that may be affected by this variant. This variant has been reported in an individual affected with thoracic aortic aneurysm and aortic dissection (PMID: 34498425). This variant has not been identified in the general population by the Genome Aggregation Database (gnomAD). A different variant (c.3838+1G>A) that affects the same exon 31 splice donor site has been reported in two individuals affected with neonatal Marfan syndrome (PMID: 20803651, 26796135). Loss of FBN1 function is a known mechanism of disease. Based on the available evidence, this variant is classified as Likely Pathogenic.

This study involves interpretation of variants in research participants for the purpose of population health screening. Participant phenotype was not available at the time of variant classification. Additional details can be found in publication PMID: 35346344, PMCID: PMC8962531

Ambry Genetics
Classification: Pathogenic for Familial thoracic aortic aneurysm and aortic dissection. Last evaluated: 2015-12-24. Review status: criteria provided, single submitter. Criteria: Ambry Variant Classification Scheme 2023. Collection method: clinical testing. Allele origin: germline.
Comment: The c.3838+2T>C intronic pathogenic mutation results from a T to C substitution two nucleotides after coding exon 30 in the FBN1 gene. This alteration was reported in one family with Marfan syndrome in our laboratory. Since alterations that disrupt the canonical splice donor site are typically deleterious in nature, this alteration is interpreted as a disease-causing mutation (ACMG Recommendations for Standards for Interpretation and Reporting of Sequence Variations. Revision 2007. Genet Med. 2008;10:294).

Clinical Genetics Service, Universitary Hospital 12 de Octubre
Classification: Likely pathogenic for Marfan syndrome. Review status: criteria provided, single submitter. Criteria: ACMG Guidelines, 2015. Collection method: clinical testing. Allele origin: germline. Affected: yes.

Literature cited by the submitters: PubMed 20803651 (cited by All of Us Research Program, National Institutes of Health); PubMed 26796135 (cited by All of Us Research Program, National Institutes of Health); PubMed 34498425 (cited by All of Us Research Program, National Institutes of Health).